The following is an entry in ClinVar:

ClinVar aggregate classification (germline): Uncertain significance (1 of 4 stars; one submission).

Conditions:
Developmental and epileptic encephalopathy, 12 (DEE12). Identifiers: MedGen C3150988, MONDO:0013389, OMIM 613722.

Submission:

Labcorp Genetics (formerly Invitae), Labcorp
Classification: Uncertain significance for Developmental and epileptic encephalopathy, 12. Last evaluated: 2025-09-02. Review status: criteria provided, single submitter. Criteria: Invitae Variant Classification Sherloc (09022015). Collection method: clinical testing. Allele origin: germline.
Comment: This variant, c.1296_1297insCCC, results in the insertion of 1 amino acid(s) of the PNKP protein (p.Ala432_Arg433insPro), but otherwise preserves the integrity of the reading frame. This variant is not present in population databases (gnomAD no frequency). This variant has not been reported in the literature in individuals affected with PNKP-related conditions. ClinVar contains an entry for this variant (Variation ID: 2162452). In summary, the available evidence is currently insufficient to determine the role of this variant in disease. Therefore, it has been classified as a Variant of Uncertain Significance.

NM_007254.4(PNKP):c.1296_1297insCCC (p.Ala432_Arg433insPro)

Gene: PNKP (polynucleotide kinase 3'-phosphatase; minus strand). Cytogenetic location: 19q13.33.
Variant type: Insertion.
Coding change: c.1296_1297insCCC on transcript NM_007254.4 (MANE Select); coding-DNA positions 1296 to 1297, CCC inserted.
Protein change: p.Ala432_Arg433insPro.
Molecular consequence: inframe insertion.
Genome position: GRCh38 VCF-style: chr19-49861773-T-TGGG. GRCh37 (hg19) VCF-style: chr19-50365030-T-TGGG.
Identifiers: ClinVar variation 2162452 (VCV002162452.4), dbSNP rs1568658973, ClinGen allele CA2580097600.